The following is an entry in ClinVar:

ClinVar aggregate classification (germline): Uncertain significance. Review status: criteria provided, multiple submitters, no conflicts (2 of 4 stars). 2 submissions from 2 submitters: Uncertain significance (2). Last evaluated 2025-08-21.

Conditions:
Charcot-Marie-Tooth disease axonal type 2F (CMT2F). Also called: CHARCOT-MARIE-TOOTH DISEASE, NEURONAL, TYPE 2F; Charcot-Marie-Tooth Neuropathy Type 2F. Identifiers: Orphanet 99940, MedGen C1847823, MONDO:0011687, OMIM 606595.
Inborn genetic diseases. Identifiers: MedGen C0950123, MeSH D030342.

Submissions (2):

Ambry Genetics
Classification: Uncertain significance for Inborn genetic diseases. Last evaluated: 2025-08-21. Review status: criteria provided, single submitter. Criteria: Ambry Variant Classification Scheme 2023. Collection method: clinical testing. Allele origin: germline.

Labcorp Genetics (formerly Invitae), Labcorp
Classification: Uncertain significance for Charcot-Marie-Tooth disease axonal type 2F. Last evaluated: 2023-07-17. Review status: criteria provided, single submitter. Criteria: Invitae Variant Classification Sherloc (09022015). Collection method: clinical testing. Allele origin: germline.
Comment: This variant is not present in population databases (gnomAD no frequency). This sequence change replaces arginine, which is basic and polar, with serine, which is neutral and polar, at codon 20 of the HSPB1 protein (p.Arg20Ser). This variant has not been reported in the literature in individuals affected with HSPB1-related conditions. ClinVar contains an entry for this variant (Variation ID: 1750378). Advanced modeling of protein sequence and biophysical properties (such as structural, functional, and spatial information, amino acid conservation, physicochemical variation, residue mobility, and thermodynamic stability) has been performed at Invitae for this missense variant, however the output from this modeling did not meet the statistical confidence thresholds required to predict the impact of this variant on HSPB1 protein function. In summary, the available evidence is currently insufficient to determine the role of this variant in disease. Therefore, it has been classified as a Variant of Uncertain Significance.

NM_001540.5(HSPB1):c.58C>A (p.Arg20Ser)

Gene: HSPB1 (heat shock protein family B (small) member 1; plus strand). Cytogenetic location: 7q11.23.
Variant type: single nucleotide variant.
Coding change: c.58C>A on transcript NM_001540.5 (MANE Select); coding-DNA position 58, C replaced by A.
Protein change: p.Arg20Ser; replaces arginine 20 with serine.
Molecular consequence: missense variant.
Genome position (GRCh38, 1-based): chr7:76,302,770, C>A. VCF-style: chr7-76302770-C-A. GRCh37 (hg19) VCF-style: chr7-75932087-C-A.
Other names: short protein forms R20S.
Identifiers: ClinVar variation 1750378 (VCV001750378.6), dbSNP rs2536148976, ClinGen allele CA367762808.